The following is an entry in ClinVar:

NM_001206927.2(DNAH8):c.582G>T (p.Leu194Phe)

Gene: DNAH8 (dynein axonemal heavy chain 8; plus strand). Cytogenetic location: 6p21.2.
Variant type: single nucleotide variant.
Coding change: c.582G>T on transcript NM_001206927.2 (MANE Select); coding-DNA position 582, G replaced by T.
Protein change: p.Leu194Phe; replaces leucine 194 with phenylalanine.
Molecular consequence: missense variant. On other transcripts: intron variant (1).
Genome position (GRCh38, 1-based): chr6:38,729,958, G>T. VCF-style: chr6-38729958-G-T. GRCh37 (hg19) VCF-style: chr6-38697734-G-T.
Other names: c.-41-4516G>T (NM_001371.4); short protein forms L194F.
Identifiers: ClinVar variation 525355 (VCV000525355.9), dbSNP rs748063803, ClinGen allele CA3787975.

ClinVar aggregate classification (germline): Uncertain significance. Review status: criteria provided, multiple submitters, no conflicts (2 of 4 stars). 2 submissions from 2 submitters: Uncertain significance (2). Last evaluated 2025-02-07.

Conditions:
Primary ciliary dyskinesia. Also called: Ciliary dyskinesia. Identifiers: Orphanet 244, MedGen C0008780, MONDO:0016575, HP:0012265.

Allele frequency attached by ClinVar (database versions not stated): ExAC 0.00003; gnomAD exomes 0.00004; TOPMed 0.00004.

Submissions (2):

Ambry Genetics
Classification: Uncertain significance. Last evaluated: 2025-02-07. Review status: criteria provided, single submitter. Criteria: Ambry Variant Classification Scheme 2023. Collection method: clinical testing. Allele origin: germline.

Labcorp Genetics (formerly Invitae), Labcorp
Classification: Uncertain significance for Primary ciliary dyskinesia. Last evaluated: 2017-12-06. Review status: criteria provided, single submitter. Criteria: Invitae Variant Classification Sherloc (09022015). Collection method: clinical testing. Allele origin: germline.
Comment: In summary, the available evidence is currently insufficient to determine the role of this variant in disease. Therefore, it has been classified as a Variant of Uncertain Significance. Algorithms developed to predict the effect of missense changes on protein structure and function output the following: SIFT: "Tolerated"; Align-GVGD: "Class C0". The phenylalanine amino acid residue is found in multiple mammalian species, suggesting that this missense change does not adversely affect protein function. These predictions have not been confirmed by published functional studies and their clinical significance is uncertain. This variant has not been reported in the literature in individuals with DNAH8-related disease. This variant is present in population databases (rs748063803, ExAC 0.04%). This sequence change replaces leucine with phenylalanine at codon 194 of the DNAH8 protein (p.Leu194Phe). The leucine residue is weakly conserved and there is a small physicochemical difference between leucine and phenylalanine.